The following is an entry in ClinVar:

ClinVar aggregate classification (germline): Pathogenic/Likely pathogenic. Review status: criteria provided, multiple submitters, no conflicts (2 of 4 stars). 3 submissions from 3 submitters: Pathogenic (2); Likely pathogenic (1). Last evaluated 2025-12-05.

Conditions:
X-linked Alport syndrome (ATS1). Also called: NEPHROPATHY AND DEAFNESS, X-LINKED; COL4A5-Related Nephropathy. Identifiers: Orphanet 63, Orphanet 88917, MedGen C4746986, MONDO:0010520, OMIM 301050.

Submissions (3):

Genetics laboratory, Institute of Kidney Diseases & Research Centre Dr. H.L. Trivedi Institute Of Transplantation Sciences
Classification: Pathogenic for X-linked Alport syndrome. Last evaluated: 2025-12-05. Review status: criteria provided, single submitter. Criteria: ACMG Guidelines, 2015. Collection method: clinical testing. Allele origin: germline. Inheritance: X-linked dominant inheritance. Affected: yes. Observed: 1 variant allele, 1 hemizygote.
Comment: The COL4A5:c.1690G>C (p.Gly564Arg) variant is classified as Pathogenic according to American College of Medical Genetics and Genomics 2015 guidelines. It results in substitution of a highly conserved glycine residue within the collagenous domain of the protein, which is essential for triple helix formation. Glycine substitutions in this region are a well-established disease mechanism and are strongly associated with Alport syndrome. The altered amino acid is predicted to disrupt protein structure and function, supporting its pathogenic role.

Labcorp Genetics (formerly Invitae), Labcorp
Classification: Pathogenic. Last evaluated: 2022-07-25. Review status: criteria provided, single submitter. Criteria: Invitae Variant Classification Sherloc (09022015). Collection method: clinical testing. Allele origin: germline.
Comment: For these reasons, this variant has been classified as Pathogenic. This variant disrupts the p.Gly564 amino acid residue in COL4A5. Other variant(s) that disrupt this residue have been determined to be pathogenic (PMID: 19965530, 32939031; Invitae). This suggests that this residue is clinically significant, and that variants that disrupt this residue are likely to be disease-causing. This variant disrupts the triple helix domain of COL4A5. Glycine residues within the Gly-Xaa-Yaa repeats of the triple helix domain are required for the structure and stability of fibrillar collagens (PMID: 7695699, 8218237, 19344236). In COL4A5, missense variants at these glycine residues are significantly enriched in individuals with disease (PMID: 23720012, 27627812) compared to the general population (ExAC). Advanced modeling of protein sequence and biophysical properties (such as structural, functional, and spatial information, amino acid conservation, physicochemical variation, residue mobility, and thermodynamic stability) performed at Invitae indicates that this missense variant is expected to disrupt COL4A5 protein function. ClinVar contains an entry for this variant (Variation ID: 242342). This missense change has been observed in individual(s) with X-linked Alport syndrome (Invitae). This variant is not present in population databases (gnomAD no frequency). This sequence change replaces glycine, which is neutral and non-polar, with arginine, which is basic and polar, at codon 564 of the COL4A5 protein (p.Gly564Arg).

Dhiti Omics Technologies Pvt. Ltd.
Classification: Likely pathogenic for X-linked Alport syndrome. Last evaluated: 2015-06-04. Review status: criteria provided, single submitter. Criteria: ACMG Guidelines, 2015. Collection method: clinical testing. Allele origin: maternal. Inheritance: X-linked inheritance. Affected: yes. Observed: 1 hemizygote.
Comment: The clinical significance was assigned and evaluated based on the ACMG guidelines for Variant Classification (Richards et al, 2015). This variant is absent in population databases (PM2); is a novel missense change at an amino acid residue where a different pathogenic missense change has been seen before (PM5) (Tan et al, 2010, PMC2801648); the patient's phenotype was highly specific for this gene (PP4) and multiple lines of computational evidence support a deleterious effect on the gene or gene product (PP3).

Literature cited by the submitters: PubMed 19965530 (cited by Labcorp Genetics (formerly Invitae), Labcorp); PubMed 32939031 (cited by Labcorp Genetics (formerly Invitae), Labcorp); PubMed 7695699 (cited by Labcorp Genetics (formerly Invitae), Labcorp); PubMed 8218237 (cited by Labcorp Genetics (formerly Invitae), Labcorp); PubMed 19344236 (cited by Labcorp Genetics (formerly Invitae), Labcorp); PubMed 23720012 (cited by Labcorp Genetics (formerly Invitae), Labcorp); PubMed 27627812 (cited by Labcorp Genetics (formerly Invitae), Labcorp); PMC 2801648 (cited by Dhiti Omics Technologies Pvt. Ltd.).

NM_033380.3(COL4A5):c.1690G>C (p.Gly564Arg)

Gene: COL4A5 (collagen type IV alpha 5 chain; plus strand). Cytogenetic location: Xq22.3.
Variant type: single nucleotide variant.
Coding change: c.1690G>C on transcript NM_033380.3 (MANE Select); coding-DNA position 1690, G replaced by C.
Protein change: p.Gly564Arg; replaces glycine 564 with arginine.
Molecular consequence: missense variant.
Genome position (GRCh38, 1-based): chrX:108,597,479, G>C. VCF-style: chrX-108597479-G-C. GRCh37 (hg19) VCF-style: chrX-107840709-G-C.
Other names: c.1690G>C, p.Gly564Arg (NM_000495.5); short protein forms G564R.
Identifiers: ClinVar variation 242342 (VCV000242342.10), dbSNP rs281874674, ClinGen allele CA10583987.